The following is an entry in ClinVar:

NM_015909.4(NBAS):c.1260T>A (p.Asn420Lys)

Gene: NBAS (NBAS subunit of NRZ tethering complex; minus strand). Cytogenetic location: 2p24.3.
Variant type: single nucleotide variant.
Coding change: c.1260T>A on transcript NM_015909.4 (MANE Select); coding-DNA position 1260, T replaced by A.
Protein change: p.Asn420Lys; replaces asparagine 420 with lysine.
Molecular consequence: missense variant. On other transcripts: non-coding transcript variant (1).
Genome position (GRCh38, 1-based): chr2:15,475,768, A>T on the plus strand (T>A on the coding strand, the complement: NBAS is on the minus strand). VCF-style: chr2-15475768-A-T. GRCh37 (hg19) VCF-style: chr2-15615892-A-T.
Other names: short protein forms N420K.
Identifiers: ClinVar variation 3877793 (VCV003877793.2).
Genomic context (GRCh38, chr2:15,475,768, plus strand): 5'-ATCATGGGTAGCAGTGACTTGAGGTGATGGTTCAAACCATTCACAGGATTTTCCCAGTAA[A>T]TTCTTCAAAGTTTTCACAGATGAAACAGTTAAAGCACCAGAGCATCGAGCTAAAGTCACT-3'
Protein context (NP_056993.2, residues 410-430): LTVSSVKTLK[Asn420Lys]LLGKSCEWFE

ClinVar aggregate classification (germline): Uncertain significance. Review status: criteria provided, multiple submitters, no conflicts (2 of 4 stars). 2 submissions from 2 submitters: Uncertain significance (2). Last evaluated 2025-10-04.

Conditions:
Inborn genetic diseases. Identifiers: MedGen C0950123, MeSH D030342.

gnomAD v4.1: 14 of 1,614,128 alleles (0.00087%); highest among the groups gnomAD compares: Middle Eastern, 0.016%; no homozygotes.

Submissions (2):

Labcorp Genetics (formerly Invitae), Labcorp
Classification: Uncertain significance. Last evaluated: 2025-10-04. Review status: criteria provided, single submitter. Criteria: Invitae Variant Classification Sherloc (09022015). Collection method: clinical testing. Allele origin: germline.
Comment: This sequence change replaces asparagine, which is neutral and polar, with lysine, which is basic and polar, at codon 420 of the NBAS protein (p.Asn420Lys). This variant is not present in population databases (gnomAD no frequency). This variant has not been reported in the literature in individuals affected with NBAS-related conditions. ClinVar contains an entry for this variant (Variation ID: 3877793). Invitae Evidence Modeling of protein sequence and biophysical properties (such as structural, functional, and spatial information, amino acid conservation, physicochemical variation, residue mobility, and thermodynamic stability) has been performed for this missense variant. However, the output from this modeling did not meet the statistical confidence thresholds required to predict the impact of this variant on NBAS protein function. In summary, the available evidence is currently insufficient to determine the role of this variant in disease. Therefore, it has been classified as a Variant of Uncertain Significance.

Ambry Genetics
Classification: Uncertain significance for Inborn genetic diseases. Last evaluated: 2025-03-06. Review status: criteria provided, single submitter. Criteria: Ambry Variant Classification Scheme 2023. Collection method: clinical testing. Allele origin: germline.